The following is an entry in ClinVar:

NM_001273.5(CHD4):c.3655del (p.Leu1219fs)

Gene: CHD4 (chromodomain helicase DNA binding protein 4; minus strand). Cytogenetic location: 12p13.31.
Variant type: Deletion.
Coding change: c.3655del on transcript NM_001273.5 (MANE Select); coding-DNA position 3655, one base deleted (C; older notation c.3655delC).
Protein change: p.Leu1219fs; shifts the reading frame from leucine 1219.
Molecular consequence: frameshift variant.
Genome position (GRCh38, 1-based): chr12:6,587,760, G deleted on the plus strand (C on the coding strand, the reverse complement: CHD4 is on the minus strand); the first of 2 consecutive G bases (chr12:6,587,760-6,587,761); deleting either gives the same sequence. VCF-style (leftmost placement, unchanged base first): chr12-6587759-AG-A. GRCh37 (hg19) VCF-style: chr12-6696925-AG-A.
Other names: c.3634del, p.Leu1212fs (NM_001297553.2); c.3616del, p.Leu1206fs (NM_001363606.2); short protein forms L1219fs, L1206fs, L1212fs.
Identifiers: ClinVar variation 3572891 (VCV003572891.2).

ClinVar aggregate classification (germline): Pathogenic (1 of 4 stars; one submission).

Conditions:
Sifrim-Hitz-Weiss syndrome (SIHIWES). Also called: CHD4 Neurodevelopmental Disorder; SIFRIM-HITZ-WEISS MULTIPLE CONGENITAL ANOMALIES-MENTAL RETARDATION SYNDROME. Identifiers: Orphanet 653712, MedGen C4310688, MONDO:0014946, OMIM 617159.

Submission:

Institute of Human Genetics, University of Leipzig Medical Center
Classification: Pathogenic for Sifrim-Hitz-Weiss syndrome. Last evaluated: 2024-12-16. Review status: criteria provided, single submitter. Criteria: ACMG Guidelines, 2015. Collection method: clinical testing. Allele origin: unknown. Inheritance: Autosomal dominant inheritance. Affected: yes.
Comment: Criteria applied: PVS1,PM2